The following is an entry in ClinVar:

NM_001110556.2(FLNA):c.5763C>T (p.Ser1921=)

Gene: FLNA (filamin A; minus strand). Cytogenetic location: Xq28.
Variant type: single nucleotide variant.
Coding change: c.5763C>T on transcript NM_001110556.2 (MANE Select); coding-DNA position 5763, C replaced by T.
Protein change: p.Ser1921=; no amino-acid change (serine 1921 retained).
Molecular consequence: synonymous variant.
Genome position (GRCh38, 1-based): chrX:154,353,651, G>A on the plus strand (C>T on the coding strand, the complement: FLNA is on the minus strand). VCF-style: chrX-154353651-G-A. GRCh37 (hg19) VCF-style: chrX-153582019-G-A.
Other names: c.5739C>T, p.Ser1913= (NM_001456.4); c.5763C>T (NM_001110556.1).
Identifiers: ClinVar variation 211020 (VCV000211020.45), dbSNP rs781929535, ClinGen allele CA209831.

ClinVar aggregate classification (germline): Benign/Likely benign. Review status: criteria provided, multiple submitters, no conflicts (2 of 4 stars). 7 submissions from 7 submitters: Benign (3); Likely benign (3). 1 of the submissions does not count toward it. Last evaluated 2025-09-02.

Conditions:
Melnick-Needles syndrome (MNS). Also called: MELNICK-NEEDLES OSTEODYSPLASTY; Melnick-Needles Syndrome (FLNA-MNS); OSTEODYSPLASTY OF MELNICK AND NEEDLES. Identifiers: Orphanet 2484, MedGen C0025237, MONDO:0010650, OMIM 309350.
Heterotopia, periventricular, X-linked dominant (PVNH1). Also called: PERIVENTRICULAR NODULAR HETEROTOPIA 4; HETEROTOPIA, PERIVENTRICULAR, 1; X-linked periventricular heterotopia; PERIVENTRICULAR NODULAR HETEROTOPIA 1. Identifiers: Orphanet 2149, Orphanet 82004, MedGen C1848213, MONDO:0010233, OMIM 300049.
Oto-palato-digital syndrome, type II (OPD2). Also called: FACIOPALATOOSSEOUS SYNDROME; Otopalatodigital Syndrome, Type II; Otopalatodigital Syndrome Type 2 (FLNA-OPD2); OPD II SYNDROME. Identifiers: Orphanet 669, Orphanet 90652, MedGen C1844696, MONDO:0010571, OMIM 304120.
Frontometaphyseal dysplasia (FMD1). Identifiers: Orphanet 1826, MedGen C0265293, MONDO:0015942.
Familial thoracic aortic aneurysm and aortic dissection (TAAD). Also called: Thoracic aortic aneurysms and dissections. Identifiers: Orphanet 91387, MedGen C4707243, MONDO:0019625.
FLNA-related disorder.

Allele frequency attached by ClinVar (database versions not stated): gnomAD 0.00002 and 0.00004; TOPMed 0.00002; gnomAD exomes 0.00012 and 0.00025; 1000 Genomes Project 30x 0.00021; 1000 Genomes Project 0.00026; ExAC 0.00031.
gnomAD v4.1: 135 of 1,210,024 alleles (0.011%); highest among the groups gnomAD compares: South Asian, 0.21%; 1 homozygote.

Submissions (7):

Labcorp Genetics (formerly Invitae), Labcorp
Classification: Benign for Oto-palato-digital syndrome, type II; Heterotopia, periventricular, X-linked dominant; Frontometaphyseal dysplasia; Melnick-Needles syndrome. Last evaluated: 2025-09-02. Review status: criteria provided, single submitter. Criteria: Invitae Variant Classification Sherloc (09022015). Collection method: clinical testing. Allele origin: germline.

ARUP Laboratories, Molecular Genetics and Genomics, ARUP Laboratories
Classification: Benign. Last evaluated: 2025-03-20. Review status: criteria provided, single submitter. Criteria: ARUP Molecular Germline Variant Investigation Process 2024. Collection method: clinical testing. Allele origin: germline.

CeGaT Center for Human Genetics Tuebingen
Classification: Likely benign. Last evaluated: 2022-11-01. Review status: criteria provided, single submitter. Criteria: CeGaT Center For Human Genetics Tuebingen Variant Classification Criteria Version 2. Collection method: clinical testing. Allele origin: germline. Affected: yes. Observed: 1 variant allele.
Comment: FLNA: BP4, BP7, BS2

Blueprint Genetics
Classification: Likely benign. Last evaluated: 2021-11-04. Review status: criteria provided, single submitter. Criteria: ACMG Guidelines, 2015. Collection method: clinical testing. Allele origin: germline.

Ambry Genetics
Classification: Benign for Familial thoracic aortic aneurysm and aortic dissection. Last evaluated: 2020-03-24. Review status: criteria provided, single submitter. Criteria: Ambry Variant Classification Scheme 2023. Collection method: clinical testing. Allele origin: germline.

Genetic Services Laboratory, University of Chicago
Classification: Likely benign. Last evaluated: 2016-11-28. Review status: criteria provided, single submitter. Criteria: ACMG Guidelines, 2015. Collection method: clinical testing. Allele origin: germline. Affected: no.

PreventionGenetics, part of Exact Sciences
Classification: Likely benign for FLNA-related condition. Last evaluated: 2022-01-06. Review status: no assertion criteria provided. Collection method: clinical testing. Allele origin: germline. Not counted in ClinVar's aggregate classification.
Comment: This variant is classified as likely benign based on ACMG/AMP sequence variant interpretation guidelines (Richards et al. 2015 PMID: 25741868, with internal and published modifications).